The following is an entry in ClinVar:

NM_003791.4(MBTPS1):c.1255G>T (p.Val419Leu)

Gene: MBTPS1 (membrane bound transcription factor peptidase, site 1; minus strand). Cytogenetic location: 16q23.3.
Variant type: single nucleotide variant.
Coding change: c.1255G>T on transcript NM_003791.4 (MANE Select); coding-DNA position 1255, G replaced by T.
Protein change: p.Val419Leu; replaces valine 419 with leucine.
Molecular consequence: missense variant.
Genome position (GRCh38, 1-based): chr16:84,085,014, C>A on the plus strand (G>T on the coding strand, the complement: MBTPS1 is on the minus strand). VCF-style: chr16-84085014-C-A. GRCh37 (hg19) VCF-style: chr16-84118619-C-A.
Other names: short protein forms V419L.
Identifiers: ClinVar variation 1929851 (VCV001929851.5), dbSNP rs1432774383, ClinGen allele CA396934899.
Genomic context (GRCh38, chr16:84,085,014, plus strand): 5'-GCTACTGGTCTCTAGGGGGCAGCACTCACCTCACTAACAAGGTGACAGCACCTGCAACCA[C>A]TGGAGAAGCAACACTGGTCCCTGAGAGGGCCCGGCACCCCCCTTTCACGCCAGAACCCCG-3'
Protein context (NP_003782.1, residues 409-429): ALSGTSVASP[Val419Leu]VAGAVTLLVS

ClinVar aggregate classification (germline): Uncertain significance (1 of 4 stars; one submission).

Allele frequency attached by ClinVar (database versions not stated): TOPMed below 0.00001; gnomAD 0.00005.
gnomAD v4.1: 12 of 1,614,088 alleles (0.00074%); highest among the groups gnomAD compares: Admixed American, 0.02%; no homozygotes.

Submission:

Labcorp Genetics (formerly Invitae), Labcorp
Classification: Uncertain significance. Last evaluated: 2024-06-03. Review status: criteria provided, single submitter. Criteria: Invitae Variant Classification Sherloc (09022015). Collection method: clinical testing. Allele origin: germline.
Comment: This sequence change replaces valine, which is neutral and non-polar, with leucine, which is neutral and non-polar, at codon 419 of the MBTPS1 protein (p.Val419Leu). This variant is present in population databases (no rsID available, gnomAD 0.009%). This variant has not been reported in the literature in individuals affected with MBTPS1-related conditions. ClinVar contains an entry for this variant (Variation ID: 1929851). An algorithm developed to predict the effect of missense changes on protein structure and function (PolyPhen-2) suggests that this variant is likely to be disruptive. In summary, the available evidence is currently insufficient to determine the role of this variant in disease. Therefore, it has been classified as a Variant of Uncertain Significance.